The following is an entry in ClinVar:

NC_000009.12:g.35658052C>T

Gene: RMRP (RNA component of mitochondrial RNA processing endoribonuclease; minus strand). Cytogenetic location: 9p13.3.
Variant type: single nucleotide variant.
Genome position: GRCh38 VCF-style: chr9-35658052-C-T. GRCh37 (hg19) VCF-style: chr9-35658049-C-T.
Identifiers: ClinVar variation 1943921 (VCV001943921.4), dbSNP rs775290179, ClinGen allele CA587570267.

ClinVar aggregate classification (germline): Uncertain significance (1 of 4 stars; one submission).

Conditions:
Anauxetic dysplasia. Identifiers: Orphanet 93347, MedGen C1846796, MONDO:0011773.

Submission:

Labcorp Genetics (formerly Invitae), Labcorp
Classification: Uncertain significance for Anauxetic dysplasia. Last evaluated: 2024-09-12. Review status: criteria provided, single submitter. Criteria: Invitae Variant Classification Sherloc (09022015). Collection method: clinical testing. Allele origin: germline.
Comment: This variant occurs in the RMRP gene, which encodes an RNA molecule that does not result in a protein product. This variant is not present in population databases (gnomAD no frequency). This variant has not been reported in the literature in individuals affected with RMRP-related conditions. Experimental studies and prediction algorithms are not available or were not evaluated, and the functional significance of this variant is currently unknown. In summary, the available evidence is currently insufficient to determine the role of this variant in disease. Therefore, it has been classified as a Variant of Uncertain Significance.